The following is an entry in ClinVar:

ClinVar aggregate classification (germline): Uncertain significance (1 of 4 stars; one submission).

gnomAD v4.1: 1 of 1,613,700 alleles (0.000062%); highest among the groups gnomAD compares: Admixed American, 0.0017%; no homozygotes.

Submission:

Dasa
Classification: Uncertain significance. Last evaluated: 2024-12-06. Review status: criteria provided, single submitter. Criteria: DASA Assertion Criteria. Collection method: clinical testing. Allele origin: germline.
Comment: NM_001287491.2(TET3):c.4879G>T (p.Gly1627Cys) is a missense variant that results in the substitution of glycine with cysteine. This variant is rare in population databases. Computational prediction algorithms are consistent with a benign effect. The currently available literature and clinical evidence are not sufficient to establish a definitive association between this variant and the reported condition. Therefore, this variant is classified as a variant of uncertain significance.

NM_001287491.2(TET3):c.4879G>T (p.Gly1627Cys)

Gene: TET3 (tet methylcytosine dioxygenase 3; plus strand). Cytogenetic location: 2p13.1.
Variant type: single nucleotide variant.
Coding change: c.4879G>T on transcript NM_001287491.2 (MANE Select); coding-DNA position 4879, G replaced by T.
Protein change: p.Gly1627Cys; replaces glycine 1627 with cysteine.
Molecular consequence: missense variant.
Genome position (GRCh38, 1-based): chr2:74,101,667, G>T. VCF-style: chr2-74101667-G-T. GRCh37 (hg19) VCF-style: chr2-74328794-G-T.
Other names: c.4600G>T, p.Gly1534Cys (NM_001366022.1); short protein forms G1534C, G1627C.
Identifiers: ClinVar variation 4881899 (VCV004881899.2).